The following is an entry in ClinVar:

ClinVar aggregate classification (germline): Uncertain significance (0 of 4 stars; one submission).

Conditions:
MC4R-related disorder. Also called: MC4R-related condition.

gnomAD v4.1: 35 of 1,614,110 alleles (0.0022%); highest among the groups gnomAD compares: Non-Finnish European, 0.0029%; no homozygotes.

Submission:

PreventionGenetics, part of Exact Sciences
Classification: Uncertain significance for MC4R-related condition. Last evaluated: 2024-04-09. Review status: no assertion criteria provided. Collection method: clinical testing. Allele origin: germline.
Comment: The MC4R c.949A>G variant is predicted to result in the amino acid substitution p.Ile317Val. This variant was reported in individuals with obesity (see, for example, Buono et al. 2005. PubMed ID: 15951321; Fan et al. 2009. PubMed ID: 19298524). In vitro functional assay results are conflicting regarding the potential pathogenicity of this variant (Fan et al. 2009. PubMed ID: 19298524; Xiang et al. 2010. PubMed ID: 20462274; He et al. 2014. PubMed ID: 25332687). This variant is reported in 0.0023% of alleles in individuals of European (Non-Finnish) descent in gnomAD. Although we suspect that this variant may be pathogenic, at this time, the clinical significance of this variant is uncertain due to the absence of conclusive functional and genetic evidence.

NM_005912.3(MC4R):c.949A>G (p.Ile317Val)

Gene: MC4R (melanocortin 4 receptor; minus strand). Cytogenetic location: 18q21.32.
Variant type: single nucleotide variant.
Coding change: c.949A>G on transcript NM_005912.3 (MANE Select); coding-DNA position 949, A replaced by G.
Protein change: p.Ile317Val; replaces isoleucine 317 with valine.
Molecular consequence: missense variant.
Genome position (GRCh38, 1-based): chr18:60,371,401, T>C on the plus strand (A>G on the coding strand, the complement: MC4R is on the minus strand). VCF-style: chr18-60371401-T-C. GRCh37 (hg19) VCF-style: chr18-58038634-T-C.
Other names: short protein forms I317V.
Identifiers: ClinVar variation 3358432 (VCV003358432.1).